The following is an entry in ClinVar:

NM_001394062.1(MACF1):c.14788C>T (p.Arg4930Ter)

Genes: MACF1 (microtubule actin crosslinking factor 1; plus strand), LOC114803468 (MACF1 eExon liver enhancer; plus strand). Cytogenetic location: 1p34.3.
Variant type: single nucleotide variant.
Coding change: c.14788C>T on transcript NM_001394062.1 (MANE Select); coding-DNA position 14788, C replaced by T.
Protein change: p.Arg4930Ter; replaces arginine 4930 with a stop codon.
Molecular consequence: nonsense.
Genome position (GRCh38, 1-based): chr1:39,387,630, C>T. VCF-style: chr1-39387630-C-T. GRCh37 (hg19) VCF-style: chr1-39853302-C-T.
Other names: c.8602C>T, p.Arg2868Ter (NM_012090.5); short protein forms R2868*, R4930*.
Identifiers: ClinVar variation 4975089 (VCV004975089.1).

ClinVar aggregate classification (germline): Uncertain significance (1 of 4 stars; one submission).

Submission:

GeneDx
Classification: Uncertain significance. Last evaluated: 2026-02-24. Review status: criteria provided, single submitter. Criteria: GeneDx Variant Classification Process June 2021. Collection method: clinical testing. Allele origin: germline.
Comment: Nonsense variant predicted to result in protein truncation or nonsense mediated decay in a gene or region of a gene for which loss of function is not a well-established mechanism of disease; Not observed at significant frequency in large population cohorts (gnomAD); Has not been previously published as pathogenic or benign to our knowledge